The following is an entry in ClinVar:

NM_015450.3(POT1):c.172A>G (p.Thr58Ala)

Gene: POT1 (protection of telomeres 1; minus strand). Cytogenetic location: 7q31.33.
Variant type: single nucleotide variant.
Coding change: c.172A>G on transcript NM_015450.3 (MANE Select); coding-DNA position 172, A replaced by G.
Protein change: p.Thr58Ala; replaces threonine 58 with alanine.
Molecular consequence: missense variant. On other transcripts: non-coding transcript variant (3), intron variant (1).
Genome position (GRCh38, 1-based): chr7:124,870,994, T>C on the plus strand (A>G on the coding strand, the complement: POT1 is on the minus strand). VCF-style: chr7-124870994-T-C. GRCh37 (hg19) VCF-style: chr7-124511048-T-C.
Other names: c.-138-7354A>G (NM_001042594.2); short protein forms T58A.
Identifiers: ClinVar variation 2560806 (VCV002560806.4), dbSNP rs2485505097, ClinGen allele CA369061575.

ClinVar aggregate classification (germline): Uncertain significance. Review status: criteria provided, multiple submitters, no conflicts (2 of 4 stars). 2 submissions from 2 submitters: Uncertain significance (2). Last evaluated 2024-05-05.

Conditions:
Hereditary cancer-predisposing syndrome. Also called: Neoplastic Syndromes, Hereditary; Hereditary Cancer Syndrome; Tumor predisposition; Hereditary neoplastic syndrome. Identifiers: Orphanet 140162, MedGen C0027672, MeSH D009386, MONDO:0015356.
Tumor predisposition syndrome 3 (TPDS3). Also called: Glioma susceptibility 9; LONG TELOMERE SYNDROME, POT1-RELATED; POT1 Tumor Predisposition; Melanoma, cutaneous malignant, susceptibility to, 10. Identifiers: Orphanet 618, MedGen C4014476, MONDO:0014368, OMIM 615848.

Submissions (2):

Labcorp Genetics (formerly Invitae), Labcorp
Classification: Uncertain significance for Tumor predisposition syndrome 3. Last evaluated: 2024-05-05. Review status: criteria provided, single submitter. Criteria: Invitae Variant Classification Sherloc (09022015). Collection method: clinical testing. Allele origin: germline.
Comment: This sequence change replaces threonine, which is neutral and polar, with alanine, which is neutral and non-polar, at codon 58 of the POT1 protein (p.Thr58Ala). This variant is not present in population databases (gnomAD no frequency). This variant has not been reported in the literature in individuals affected with POT1-related conditions. ClinVar contains an entry for this variant (Variation ID: 2560806). Advanced modeling of protein sequence and biophysical properties (such as structural, functional, and spatial information, amino acid conservation, physicochemical variation, residue mobility, and thermodynamic stability) performed at Invitae indicates that this missense variant is not expected to disrupt POT1 protein function with a negative predictive value of 80%. In summary, the available evidence is currently insufficient to determine the role of this variant in disease. Therefore, it has been classified as a Variant of Uncertain Significance.

Ambry Genetics
Classification: Uncertain significance for Hereditary cancer-predisposing syndrome. Last evaluated: 2023-06-14. Review status: criteria provided, single submitter. Criteria: Ambry Variant Classification Scheme 2023. Collection method: clinical testing. Allele origin: germline.
Comment: The p.T58A variant (also known as c.172A>G), located in coding exon 3 of the POT1 gene, results from an A to G substitution at nucleotide position 172. The threonine at codon 58 is replaced by alanine, an amino acid with similar properties. This amino acid position is well conserved in available vertebrate species. In addition, this alteration is predicted to be tolerated by in silico analysis. Since supporting evidence is limited at this time, the clinical significance of this alteration remains unclear.